The following is an entry in ClinVar:

NM_001282933.2(ZNF341):c.2437A>C (p.Thr813Pro)

Genes: ZNF341 (zinc finger protein 341; plus strand), ZNF341-AS1 (ZNF341 antisense RNA 1; minus strand). Cytogenetic location: 20q11.22.
Variant type: single nucleotide variant.
Coding change: c.2437A>C on transcript NM_001282933.2 (MANE Select); coding-DNA position 2437, A replaced by C.
Protein change: p.Thr813Pro; replaces threonine 813 with proline.
Molecular consequence: missense variant. On other transcripts: non-coding transcript variant (1).
Genome position (GRCh38, 1-based): chr20:33,791,389, A>C. VCF-style: chr20-33791389-A-C. GRCh37 (hg19) VCF-style: chr20-32379195-A-C.
Other names: p.Thr806Pro; c.2437A>C (NM_001282933.1); c.2167A>C, p.Thr723Pro (NM_001282935.2); c.2416A>C, p.Thr806Pro (NM_032819.5); c.2416A>C (NM_032819.4); short protein forms T723P, T806P, T813P.
Identifiers: ClinVar variation 1164636 (VCV001164636.14), dbSNP rs17090763, ClinGen allele CA9819809.
Genomic context (GRCh38, chr20:33,791,389, plus strand): 5'-CCCTTCGCAGAGCCGGACGCGGTGCTGTCCATCGTTGTGGGTGGTGCGGTGGGCGCGGAA[A>C]CTGAGCTGGTGGTACCTGGACACGCTGAGGGGCTGGGCTCCAACCTGGCTCTGGCGGAGC-3'
Protein context (NP_001269862.1, residues 803-823): IVVGGAVGAE[Thr813Pro]ELVVPGHAEG

ClinVar aggregate classification (germline): Benign/Likely benign. Review status: criteria provided, multiple submitters, no conflicts (2 of 4 stars). 5 submissions from 5 submitters: Benign (3); Likely benign (1). 1 of the submissions does not count toward it. Last evaluated 2026-02-03.

Conditions:
ZNF341-related disorder. Also called: ZNF341-related condition.

Allele frequency attached by ClinVar (database versions not stated): gnomAD exomes 0.00558 and 0.01410; ExAC 0.01692; gnomAD 0.05285 and 0.05656; 1000 Genomes Project 0.05711; 1000 Genomes Project 30x 0.05871; TOPMed 0.05997; ESP Exome Variant Server 0.06038.
gnomAD v4.1: 16,644 of 1,612,614 alleles (1%); highest among the groups gnomAD compares: African/African-American, 18%; 1,333 homozygotes.

Submissions (5):

Labcorp Genetics (formerly Invitae), Labcorp
Classification: Benign. Last evaluated: 2026-02-03. Review status: criteria provided, single submitter. Criteria: Invitae Variant Classification Sherloc (09022015). Collection method: clinical testing. Allele origin: germline.

Women's Health and Genetics/Laboratory Corporation of America, LabCorp
Classification: Likely benign. Last evaluated: 2026-01-21. Review status: criteria provided, single submitter. Criteria: LabCorp Variant Classification Summary - May 2015. Collection method: clinical testing. Allele origin: germline.

Mayo Clinic Laboratories, Mayo Clinic
Classification: Benign. Last evaluated: 2024-09-14. Review status: criteria provided, single submitter. Criteria: ACMG Guidelines, 2015. Collection method: clinical testing. Allele origin: germline. Observed: 5 variant alleles.

Breakthrough Genomics
Classification: Benign. Review status: criteria provided, single submitter. Criteria: ACMG Guidelines, 2015. Collection method: not provided. Allele origin: germline. Inheritance: Autosomal recessive inheritance. Affected: yes.

PreventionGenetics, part of Exact Sciences
Classification: Benign for ZNF341-related condition. Last evaluated: 2019-11-14. Review status: no assertion criteria provided. Collection method: clinical testing. Allele origin: germline. Not counted in ClinVar's aggregate classification.
Comment: This variant is classified as benign based on ACMG/AMP sequence variant interpretation guidelines (Richards et al. 2015 PMID: 25741868, with internal and published modifications).